The following is an entry in ClinVar:

ClinVar aggregate classification (germline): Pathogenic (1 of 4 stars; one submission).

Conditions:
Galactosylceramide beta-galactosidase deficiency. Also called: GALACTOCEREBROSIDASE DEFICIENCY; GALC DEFICIENCY; GLOBOID CELL LEUKOENCEPHALOPATHY; Krabbe Disease; Leukodystrophy, Globoid Cell. Identifiers: Orphanet 487, MedGen C0023521, MONDO:0009499, OMIM 245200.

Submission:

Labcorp Genetics (formerly Invitae), Labcorp
Classification: Pathogenic for Galactosylceramide beta-galactosidase deficiency. Last evaluated: 2021-08-04. Review status: criteria provided, single submitter. Criteria: Invitae Variant Classification Sherloc (09022015). Collection method: clinical testing. Allele origin: germline.
Comment: This variant results in a copy number gain of the genomic region encompassing exon(s) 11-14 of the GALC gene. While the exact position of this variant cannot be determined from the data, sub-genic copy number gains are generally in tandem (PMID: 25640679). This variant is predicted to be out-of-frame, and may result in an absent or disrupted protein product. Loss-of-function variants in GALC are known to be pathogenic (PMID: 7437911, 9272171, 16607461). A similar copy number variant has been observed in individual(s) with Krabbe disease (PMID: 21824559, 22704718). In at least one individual the data is consistent with the variant being in trans (on the opposite chromosome) from a pathogenic variant. For these reasons, this variant has been classified as Pathogenic.

Literature cited by the submitters: PubMed 25640679; PubMed 7437911; PubMed 9272171; PubMed 16607461; PubMed 21824559; PubMed 22704718.

NC_000014.8:g.(?_88411887)_(88417102_?)dup

Gene: GALC (galactosylceramidase; minus strand). Cytogenetic location: 14q31.3.
Variant type: Duplication.
Identifiers: ClinVar variation 1457914 (VCV001457914.9).